The following is an entry in ClinVar:

NM_015512.5(DNAH1):c.10151G>A (p.Arg3384His)

Gene: DNAH1 (dynein axonemal heavy chain 1; plus strand). Cytogenetic location: 3p21.1.
Variant type: single nucleotide variant.
Coding change: c.10151G>A on transcript NM_015512.5 (MANE Select); coding-DNA position 10151, G replaced by A.
Protein change: p.Arg3384His; replaces arginine 3384 with histidine.
Molecular consequence: missense variant.
Genome position (GRCh38, 1-based): chr3:52,392,562, G>A. VCF-style: chr3-52392562-G-A. GRCh37 (hg19) VCF-style: chr3-52426578-G-A.
Other names: short protein forms R3384H.
Identifiers: ClinVar variation 639724 (VCV000639724.3), dbSNP rs781434212, ClinGen allele CA2435721.

ClinVar aggregate classification (germline): Uncertain significance (1 of 4 stars; one submission).

Conditions:
Spermatogenic failure 18. Identifiers: MedGen C4539783, MONDO:0054615, OMIM 617576.
Ciliary dyskinesia, primary, 37 (CILD37). Also called: CILIARY DYSKINESIA, PRIMARY, 37, WITH OR WITHOUT SITUS INVERSUS. Identifiers: MedGen C4539798, MONDO:0033204, OMIM 617577.

Allele frequency attached by ClinVar (database versions not stated): gnomAD exomes 0.00001 and 0.00002; ExAC 0.00003; gnomAD 0.00004 and 0.00005; TOPMed 0.00006.
gnomAD v4.1: 21 of 1,613,842 alleles (0.0013%); highest among the groups gnomAD compares: Middle Eastern, 0.049%; no homozygotes.

Submission:

Labcorp Genetics (formerly Invitae), Labcorp
Classification: Uncertain significance for Ciliary dyskinesia, primary, 37; Spermatogenic failure 18. Last evaluated: 2022-08-09. Review status: criteria provided, single submitter. Criteria: Invitae Variant Classification Sherloc (09022015). Collection method: clinical testing. Allele origin: germline.
Comment: This sequence change replaces arginine, which is basic and polar, with histidine, which is basic and polar, at codon 3384 of the DNAH1 protein (p.Arg3384His). This variant is present in population databases (rs781434212, gnomAD 0.02%). This variant has not been reported in the literature in individuals affected with DNAH1-related conditions. ClinVar contains an entry for this variant (Variation ID: 639724). Algorithms developed to predict the effect of missense changes on protein structure and function output the following: SIFT: "Deleterious"; PolyPhen-2: "Benign"; Align-GVGD: "Class C0". The histidine amino acid residue is found in multiple mammalian species, which suggests that this missense change does not adversely affect protein function. In summary, the available evidence is currently insufficient to determine the role of this variant in disease. Therefore, it has been classified as a Variant of Uncertain Significance.